The following is an entry in ClinVar:

ClinVar aggregate classification (germline): Pathogenic (1 of 4 stars; one submission).

Conditions:
Hereditary cancer-predisposing syndrome. Also called: Hereditary Cancer Syndrome; Hereditary neoplastic syndrome; Neoplastic Syndromes, Hereditary; Tumor predisposition. Identifiers: Orphanet 140162, MedGen C0027672, MeSH D009386, MONDO:0015356.

Submission:

Ambry Genetics
Classification: Pathogenic for Hereditary cancer-predisposing syndrome. Last evaluated: 2017-07-11. Review status: criteria provided, single submitter. Criteria: Ambry Variant Classification Scheme 2023. Collection method: clinical testing. Allele origin: germline.
Comment: The EX4_10dup(partial) gross duplication spans coding exon 4 through part of coding exon 10 in the BRCA2 gene. Additional analysis to determine breakpoints identified that this duplication is in tandem and is predicted to result in a predicted alternate stop codon (Ambry internal data). As such, this alteration is interpreted as a disease-causing mutation.

Literature cited by the submitters: PubMed 17470134; PubMed 24825132.

NM_000059.3:c.425+409_4780dup

Gene: BRCA2 (BRCA2 DNA repair associated; plus strand).
Variant type: Duplication.
Identifiers: ClinVar variation 1739087 (VCV001739087.2).